The following is an entry in ClinVar:

ClinVar aggregate classification (germline): Uncertain significance (1 of 4 stars; one submission).

Conditions:
Hereditary cancer-predisposing syndrome. Also called: Neoplastic Syndromes, Hereditary; Tumor predisposition; Hereditary neoplastic syndrome; Hereditary Cancer Syndrome. Identifiers: Orphanet 140162, MedGen C0027672, MeSH D009386, MONDO:0015356.

Submission:

Ambry Genetics
Classification: Uncertain significance for Hereditary cancer-predisposing syndrome. Last evaluated: 2024-05-29. Review status: criteria provided, single submitter. Criteria: Ambry Variant Classification Scheme 2023. Collection method: clinical testing. Allele origin: germline.
Comment: The p.P215S variant (also known as c.643C>T), located in coding exon 6 of the SMARCB1 gene, results from a C to T substitution at nucleotide position 643. The proline at codon 215 is replaced by serine, an amino acid with similar properties. This amino acid position is conserved. In addition, this alteration is predicted to be deleterious by in silico analysis. Based on the available evidence, the clinical significance of this variant remains unclear.

NM_003073.5(SMARCB1):c.643C>T (p.Pro215Ser)

Gene: SMARCB1 (SWI/SNF related BAF chromatin remodeling complex subunit B1; plus strand). Cytogenetic location: 22q11.23.
Variant type: single nucleotide variant.
Coding change: c.643C>T on transcript NM_003073.5 (MANE Select); coding-DNA position 643, C replaced by T.
Protein change: p.Pro215Ser; replaces proline 215 with serine.
Molecular consequence: missense variant.
Genome position (GRCh38, 1-based): chr22:23,816,784, C>T. VCF-style: chr22-23816784-C-T. GRCh37 (hg19) VCF-style: chr22-24158971-C-T.
Other names: c.616C>T, p.Pro206Ser (NM_001007468.3); c.670C>T, p.Pro224Ser (NM_001317946.2); c.697C>T, p.Pro233Ser (NM_001362877.2); short protein forms P233S, P206S, P215S, P224S.
Identifiers: ClinVar variation 3320819 (VCV003320819.1).